The following is an entry in ClinVar:

NM_006017.3(PROM1):c.2461C>T (p.Arg821Ter)

Gene: PROM1 (prominin 1; minus strand). Cytogenetic location: 4p15.32.
Variant type: single nucleotide variant.
Coding change: c.2461C>T on transcript NM_006017.3 (MANE Select); coding-DNA position 2461, C replaced by T.
Protein change: p.Arg821Ter; replaces arginine 821 with a stop codon.
Molecular consequence: nonsense.
Genome position (GRCh38, 1-based): chr4:15,980,450, G>A on the plus strand (C>T on the coding strand, the complement: PROM1 is on the minus strand). VCF-style: chr4-15980450-G-A. GRCh37 (hg19) VCF-style: chr4-15982073-G-A.
Other names: NM_006017.3(PROM1):c.2461C>T; p.Arg821Ter; c.2434C>T, p.Arg812Ter (NM_001145847.2, NM_001145848.2, NM_001145851.2 and 4 more transcripts); c.2461C>T, p.Arg821Ter (NM_001145849.2, NM_001145850.2); short protein forms R821*, R812*.
Identifiers: ClinVar variation 636063 (VCV000636063.10), dbSNP rs766357803, ClinGen allele CA2866387.
Genomic context (GRCh38, chr4:15,980,450, plus strand): 5'-ACCCCCACGTCTGTGGAAGCCCACATACTTACTCATCGTACACGTCCTCCGAATCCATTC[G>A]ACGATAGTACTTAGCCAGTTTTACCGCAAAAATTAGAGCCGGAAGTAAAAATACAGTAGC-3'

ClinVar aggregate classification (germline): Pathogenic/Likely pathogenic. Review status: criteria provided, multiple submitters, no conflicts (2 of 4 stars). 4 submissions from 4 submitters: Pathogenic (2); Likely pathogenic (1). 1 of the submissions does not count toward it. Last evaluated 2023-11-27.

Conditions:
Retinitis pigmentosa (RP). Identifiers: Orphanet 791, MedGen C0035334, MeSH D012174, MONDO:0019200, OMIM 268000. Inheritance: Autosomal dominant, autosomal recessive and X linked inheritance.
Retinal dystrophy. Also called: Inherited retinal dystrophy. Identifiers: Orphanet 71862, MedGen C0854723, MeSH D058499, MONDO:0019118, HP:0000556.
Cone-rod dystrophy 12 (CORD12). Identifiers: Orphanet 1872, MedGen C2675210, MONDO:0012983, OMIM 612657.

Allele frequency attached by ClinVar (database versions not stated): ExAC 0.00004.
gnomAD v4.1: 6 of 1,553,556 alleles (0.00039%); highest among the groups gnomAD compares: Non-Finnish European, 0.00044%; no homozygotes.

Submissions (4):

Labcorp Genetics (formerly Invitae), Labcorp
Classification: Pathogenic. Last evaluated: 2023-11-27. Review status: criteria provided, single submitter. Criteria: Invitae Variant Classification Sherloc (09022015). Collection method: clinical testing. Allele origin: germline.
Comment: This sequence change creates a premature translational stop signal (p.Arg821*) in the PROM1 gene. It is expected to result in an absent or disrupted protein product. Loss-of-function variants in PROM1 are known to be pathogenic (PMID: 17605048, 19718270, 24154662, 25474345). The frequency data for this variant in the population databases is considered unreliable, as metrics indicate poor data quality at this position in the gnomAD database. This premature translational stop signal has been observed in individual(s) with retinitis pigmentosa (PMID: 24938718, 30718709). ClinVar contains an entry for this variant (Variation ID: 636063). For these reasons, this variant has been classified as Pathogenic.

Broad Center for Mendelian Genomics, Broad Institute of MIT and Harvard
Classification: Likely pathogenic for Cone-rod dystrophy 12. Last evaluated: 2023-05-02. Review status: criteria provided, single submitter. Criteria: ACMG Guidelines, 2015. Collection method: curation. Allele origin: germline. Inheritance: Autosomal recessive inheritance.
Comment: The p.Arg821Ter variant in PROM1 has been previously reported in 3 unrelated individuals with PROM1-associated retinal disease (PMID: 30820146, PMID: 24938718, PMID: 30718709). Of these 3 previously reported unrelated individuals (PMID: 30820146, PMID: 24938718, PMID: 30718709), one was a homozygote (PMID: 30820146) and one was a compound heterozygote who carried a reported likely pathogenic variant with unknown phase (PMID: 30718709, ClinVar Variation ID: 636064), which increases the likelihood that the p.Arg821Ter variant is pathogenic. This variant has also been reported in ClinVar (Variation ID: 636063) and has been interpreted as pathogenic by Invitae and as likely pathogenic by the Kennedy Center Medical Genetics Laboratory (Juliane Marie Center, Rigshospitalet). Data from large population studies is insufficient to assess the frequency of this variant. This nonsense variant leads to a premature termination codon at position 821, which is predicted to lead to a truncated or absent protein. Loss of function of the PROM1 gene is an established disease mechanism in autosomal recessive PROM1-associated retinal disease. In summary, although additional studies are required to fully establish its clinical significance, this variant is likely pathogenic for autosomal recessive neuronal PROM1-associated retinal disease. ACMG/AMP Criteria applied: PVS1, PM3_Supporting (Richards 2015).

Institute of Human Genetics, Univ. Regensburg, Univ. Regensburg
Classification: Pathogenic for Retinal dystrophy. Last evaluated: 2023-01-01. Review status: criteria provided, single submitter. Criteria: ACMG Guidelines, 2015. Collection method: clinical testing. Allele origin: germline. Affected: yes.

Department of Clinical Genetics, Copenhagen University Hospital, Rigshospitalet
Classification: Likely pathogenic for Retinitis pigmentosa. Last evaluated: 2018-04-01. Review status: no assertion criteria provided. Collection method: research. Allele origin: unknown. Affected: yes. Study: VeluxRD. Not counted in ClinVar's aggregate classification.

Literature cited by the submitters: PubMed 17605048 (cited by Labcorp Genetics (formerly Invitae), Labcorp); PubMed 19718270 (cited by Labcorp Genetics (formerly Invitae), Labcorp); PubMed 24154662 (cited by Labcorp Genetics (formerly Invitae), Labcorp); PubMed 25474345 (cited by Labcorp Genetics (formerly Invitae), Labcorp); PubMed 24938718 (cited by Labcorp Genetics (formerly Invitae), Labcorp and Institute of Human Genetics, Univ. Regensburg, Univ. Regensburg); PubMed 30718709 (cited by Labcorp Genetics (formerly Invitae), Labcorp and Department of Clinical Genetics, Copenhagen University Hospital, Rigshospitalet); PubMed 36819107 (cited by Institute of Human Genetics, Univ. Regensburg, Univ. Regensburg).